The following is an entry in ClinVar:

NM_002519.3(NPAT):c.1144G>A (p.Gly382Ser)

Gene: NPAT (nuclear protein, coactivator of histone transcription; minus strand). Cytogenetic location: 11q22.3.
Variant type: single nucleotide variant.
Coding change: c.1144G>A on transcript NM_002519.3 (MANE Select); coding-DNA position 1144, G replaced by A.
Protein change: p.Gly382Ser; replaces glycine 382 with serine.
Molecular consequence: missense variant.
Genome position (GRCh38, 1-based): chr11:108,173,840, C>T on the plus strand (G>A on the coding strand, the complement: NPAT is on the minus strand). VCF-style: chr11-108173840-C-T. GRCh37 (hg19) VCF-style: chr11-108044567-C-T.
Other names: c.1144G>A, p.Gly382Ser (NM_001321307.1); short protein forms G382S.
Identifiers: ClinVar variation 2496699 (VCV002496699.2), dbSNP rs1024473957, ClinGen allele CA228385368.

ClinVar aggregate classification (germline): Uncertain significance (1 of 4 stars; one submission).

Allele frequency attached by ClinVar (database versions not stated): gnomAD exomes below 0.00001; TOPMed 0.00002.
gnomAD v4.1: 1 of 1,614,052 alleles (0.000062%); highest among the groups gnomAD compares: Non-Finnish European, 0.000085%; no homozygotes.

Submission:

Ambry Genetics
Classification: Uncertain significance. Last evaluated: 2023-01-18. Review status: criteria provided, single submitter. Criteria: Ambry Variant Classification Scheme 2023. Collection method: clinical testing. Allele origin: germline.
Comment: The p.G382S variant (also known as c.1144G>A), located in coding exon 13 of the NPAT gene, results from a G to A substitution at nucleotide position 1144. The glycine at codon 382 is replaced by serine, an amino acid with similar properties. This amino acid position is conserved. In addition, this alteration is predicted to be tolerated by in silico analysis. Since supporting evidence is limited at this time, the clinical significance of this alteration remains unclear.